The following is an entry in ClinVar:

ClinVar aggregate classification (germline): Uncertain significance. Review status: criteria provided, multiple submitters, no conflicts (2 of 4 stars). 2 submissions from 2 submitters: Uncertain significance (2). Last evaluated 2023-10-09.

Conditions:
Hereditary nonpolyposis colorectal neoplasms. Identifiers: MedGen C0009405, MeSH D003123.

Submissions (2):

Labcorp Genetics (formerly Invitae), Labcorp
Classification: Uncertain significance for Hereditary nonpolyposis colorectal neoplasms. Last evaluated: 2023-10-09. Review status: criteria provided, single submitter. Criteria: Invitae Variant Classification Sherloc (09022015). Collection method: clinical testing. Allele origin: germline.
Comment: This sequence change replaces glutamic acid, which is acidic and polar, with aspartic acid, which is acidic and polar, at codon 760 of the MSH6 protein (p.Glu760Asp). This variant is not present in population databases (gnomAD no frequency). This variant has not been reported in the literature in individuals affected with MSH6-related conditions. Advanced modeling of protein sequence and biophysical properties (such as structural, functional, and spatial information, amino acid conservation, physicochemical variation, residue mobility, and thermodynamic stability) performed at Invitae indicates that this missense variant is not expected to disrupt MSH6 protein function. In summary, the available evidence is currently insufficient to determine the role of this variant in disease. Therefore, it has been classified as a Variant of Uncertain Significance.

GeneDx
Classification: Uncertain significance. Last evaluated: 2023-06-08. Review status: criteria provided, single submitter. Criteria: GeneDx Variant Classification Process June 2021. Collection method: clinical testing. Allele origin: germline. Affected: yes.
Comment: Not observed at significant frequency in large population cohorts (gnomAD); In silico analysis supports that this missense variant does not alter protein structure/function; Has not been previously published as pathogenic or benign to our knowledge; This variant is associated with the following publications: (PMID: 17531815, 21120944)

NM_000179.3(MSH6):c.2280G>C (p.Glu760Asp)

Gene: MSH6 (mutS homolog 6; plus strand). Cytogenetic location: 2p16.3.
Variant type: single nucleotide variant.
Coding change: c.2280G>C on transcript NM_000179.3 (MANE Select); coding-DNA position 2280, G replaced by C.
Protein change: p.Glu760Asp; replaces glutamic acid 760 with aspartic acid.
Molecular consequence: missense variant. On other transcripts: non-coding transcript variant (5), intron variant (2).
Genome position (GRCh38, 1-based): chr2:47,800,263, G>C. VCF-style: chr2-47800263-G-C. GRCh37 (hg19) VCF-style: chr2-48027402-G-C.
Other names: c.2376G>C, p.Glu792Asp (NM_001406802.1, NM_001406795.1); c.2280G>C, p.Glu760Asp (NM_001406803.1, NM_001406808.1, NM_001406809.1 and 3 more transcripts); c.2202G>C, p.Glu734Asp (NM_001406804.1); c.1983G>C, p.Glu661Asp (NM_001406805.1, NM_001406818.1, NM_001406819.1 and 10 more transcripts); c.1755G>C, p.Glu585Asp (NM_001406806.1, NM_001406807.1, NM_001406799.1); c.1374G>C, p.Glu458Asp (NM_001406811.1, NM_001406812.1, NM_001406814.1 and 6 more transcripts); c.2286G>C, p.Glu762Asp (NM_001406813.1); c.2112G>C, p.Glu704Asp (NM_001406826.1); and 3 more; short protein forms E458D, E661D, E704D, E585D, E630D, E734D, E762D, E792D.
Identifiers: ClinVar variation 2767129 (VCV002767129.4), dbSNP rs1204279922, ClinGen allele CA346752883.